The following is an entry in ClinVar:

NM_002047.4(GARS1):c.534C>G (p.Ile178Met)

Gene: GARS1 (glycyl-tRNA synthetase 1; plus strand). Cytogenetic location: 7p14.3.
Variant type: single nucleotide variant.
Coding change: c.534C>G on transcript NM_002047.4 (MANE Select); coding-DNA position 534, C replaced by G.
Protein change: p.Ile178Met; replaces isoleucine 178 with methionine.
Molecular consequence: missense variant.
Genome position (GRCh38, 1-based): chr7:30,601,165, C>G. VCF-style: chr7-30601165-C-G. GRCh37 (hg19) VCF-style: chr7-30640781-C-G.
Other names: c.372C>G, p.Ile124Met (NM_001316772.1); short protein forms I124M, I178M.
Identifiers: ClinVar variation 1680900 (VCV001680900.6), dbSNP rs774732829, ClinGen allele CA156100150.

ClinVar aggregate classification (germline): Uncertain significance (1 of 4 stars; one submission).

Conditions:
Charcot-Marie-Tooth disease type 2. Also called: Charcot-Marie-Tooth type 2. Identifiers: Orphanet 64746, MedGen C0270914, MONDO:0018993.

gnomAD v4.1: 3 of 1,614,068 alleles (0.00019%); highest among the groups gnomAD compares: Middle Eastern, 0.016%; no homozygotes.

Submission:

Labcorp Genetics (formerly Invitae), Labcorp
Classification: Uncertain significance for Charcot-Marie-Tooth disease type 2. Last evaluated: 2023-10-13. Review status: criteria provided, single submitter. Criteria: Invitae Variant Classification Sherloc (09022015). Collection method: clinical testing. Allele origin: germline.
Comment: This sequence change replaces isoleucine, which is neutral and non-polar, with methionine, which is neutral and non-polar, at codon 178 of the GARS protein (p.Ile178Met). This variant is not present in population databases (gnomAD no frequency). This variant has not been reported in the literature in individuals affected with GARS-related conditions. ClinVar contains an entry for this variant (Variation ID: 1680900). Advanced modeling of protein sequence and biophysical properties (such as structural, functional, and spatial information, amino acid conservation, physicochemical variation, residue mobility, and thermodynamic stability) has been performed at Invitae for this missense variant, however the output from this modeling did not meet the statistical confidence thresholds required to predict the impact of this variant on GARS protein function. In summary, the available evidence is currently insufficient to determine the role of this variant in disease. Therefore, it has been classified as a Variant of Uncertain Significance.